The following is an entry in ClinVar:

ClinVar aggregate classification (germline): Pathogenic (1 of 4 stars; one submission).

Submission:

Labcorp Genetics (formerly Invitae), Labcorp
Classification: Pathogenic. Last evaluated: 2020-11-03. Review status: criteria provided, single submitter. Criteria: Invitae Variant Classification Sherloc (09022015). Collection method: clinical testing. Allele origin: germline.
Comment: This sequence change creates a premature translational stop signal (p.Asp128Thrfs*45) in the LHX4 gene. It is expected to result in an absent or disrupted protein product. Loss-of-function variants in LHX4 are known to be pathogenic (PMID: 11567216, 25910213). This variant is not present in population databases (ExAC no frequency). This variant has not been reported in the literature in individuals with LHX4-related conditions. For these reasons, this variant has been classified as Pathogenic.

Literature cited by the submitters: PubMed 11567216; PubMed 25910213.

NM_033343.4(LHX4):c.382del (p.Asp128fs)

Gene: LHX4 (LIM homeobox 4; plus strand). Cytogenetic location: 1q25.2.
Variant type: Deletion.
Coding change: c.382del on transcript NM_033343.4 (MANE Select); coding-DNA position 382, one base deleted (G; older notation c.382delG).
Protein change: p.Asp128fs; shifts the reading frame from aspartic acid 128.
Molecular consequence: frameshift variant.
Genome position (GRCh38, 1-based): chr1:180,266,525, G deleted; the last of 5 consecutive G bases (chr1:180,266,521-180,266,525); deleting any one gives the same sequence. VCF-style (leftmost placement, unchanged base first): chr1-180266520-CG-C. GRCh37 (hg19) VCF-style: chr1-180235655-CG-C.
Other names: short protein forms D128fs.
Identifiers: ClinVar variation 1428279 (VCV001428279.6), dbSNP rs2149263256, ClinGen allele CA2573131281.